The following is an entry in ClinVar:

ClinVar aggregate classification (germline): Uncertain significance (1 of 4 stars; one submission).

Conditions:
Cryptosporidiosis-chronic cholangitis-liver disease syndrome. Also called: Immunodeficiency type 56; IL21R immunodeficiency. Identifiers: Orphanet 357329, MedGen C3554687, MONDO:0014082, OMIM 615207.

Allele frequency attached by ClinVar (database versions not stated): gnomAD exomes 0.00002; ExAC 0.00001; gnomAD 0.00001.
gnomAD v4.1: 9 of 1,613,922 alleles (0.00056%); highest among the groups gnomAD compares: East Asian, 0.0022%; no homozygotes.

Submission:

Labcorp Genetics (formerly Invitae), Labcorp
Classification: Uncertain significance for Cryptosporidiosis-chronic cholangitis-liver disease syndrome. Last evaluated: 2019-11-14. Review status: criteria provided, single submitter. Criteria: Invitae Variant Classification Sherloc (09022015). Collection method: clinical testing. Allele origin: germline.
Comment: In summary, the available evidence is currently insufficient to determine the role of this variant in disease. Therefore, it has been classified as a Variant of Uncertain Significance. Algorithms developed to predict the effect of missense changes on protein structure and function output the following: SIFT: "Tolerated"; PolyPhen-2: "Benign"; Align-GVGD: "Class C0". The lysine amino acid residue is found in multiple mammalian species, suggesting that this missense change does not adversely affect protein function. These predictions have not been confirmed by published functional studies and their clinical significance is uncertain. This variant has not been reported in the literature in individuals with IL21R-related conditions. This variant is present in population databases (rs765293093, ExAC 0.01%). This sequence change replaces glutamic acid with lysine at codon 61 of the IL21R protein (p.Glu61Lys). The glutamic acid residue is weakly conserved and there is a small physicochemical difference between glutamic acid and lysine.

NM_181078.3(IL21R):c.181G>A (p.Glu61Lys)

Gene: IL21R (interleukin 21 receptor; plus strand). Cytogenetic location: 16p12.1.
Variant type: single nucleotide variant.
Coding change: c.181G>A on transcript NM_181078.3 (MANE Select); coding-DNA position 181, G replaced by A.
Protein change: p.Glu61Lys; replaces glutamic acid 61 with lysine.
Molecular consequence: missense variant.
Genome position (GRCh38, 1-based): chr16:27,437,516, G>A. VCF-style: chr16-27437516-G-A. GRCh37 (hg19) VCF-style: chr16-27448837-G-A.
Other names: c.181G>A, p.Glu61Lys (NM_021798.4); c.247G>A, p.Glu83Lys (NM_181079.5); short protein forms E61K, E83K.
Identifiers: ClinVar variation 972533 (VCV000972533.8), dbSNP rs765293093, ClinGen allele CA7974913.
Genomic context (GRCh38, chr16:27,437,516, plus strand): 5'-TCCAGCCATGACCGGCTGCTTTGTCCTTGAAGGCAAGACCAGTATGAAGAGCTGAAGGAC[G>A]AGGCCACCTCCTGCAGCCTCCACAGGTCGGCCCACAATGCCACGCATGCCACCTACACCT-3'
Protein context (NP_851564.1, residues 51-71): WQDQYEELKD[Glu61Lys]ATSCSLHRSA